The following is an entry in ClinVar:

NM_182961.4(SYNE1):c.698G>A (p.Arg233Lys)

Gene: SYNE1 (spectrin repeat containing nuclear envelope protein 1; minus strand). Cytogenetic location: 6q25.2.
Variant type: single nucleotide variant.
Coding change: c.698G>A on transcript NM_182961.4 (MANE Select); coding-DNA position 698, G replaced by A.
Protein change: p.Arg233Lys; replaces arginine 233 with lysine.
Molecular consequence: missense variant.
Genome position (GRCh38, 1-based): chr6:152,505,281, C>T on the plus strand (G>A on the coding strand, the complement: SYNE1 is on the minus strand). VCF-style: chr6-152505281-C-T. GRCh37 (hg19) VCF-style: chr6-152826416-C-T.
Other names: c.719G>A, p.Arg240Lys (NM_033071.5); short protein forms R233K, R240K.
Identifiers: ClinVar variation 3372706 (VCV003372706.1).

ClinVar aggregate classification (germline): Uncertain significance (1 of 4 stars; one submission).

gnomAD v4.1: 13 of 1,614,168 alleles (0.00081%); highest among the groups gnomAD compares: African/African-American, 0.0013%; no homozygotes.

Submission:

GeneDx
Classification: Uncertain significance. Last evaluated: 2024-04-21. Review status: criteria provided, single submitter. Criteria: GeneDx Variant Classification Process June 2021. Collection method: clinical testing. Allele origin: germline. Affected: yes.
Comment: Not observed at significant frequency in large population cohorts (gnomAD); In silico analysis indicates that this missense variant does not alter protein structure/function; Has not been previously published as pathogenic or benign to our knowledge